The following is an entry in ClinVar:

NM_152564.5(VPS13B):c.3015G>A (p.Leu1005=)

Gene: VPS13B (vacuolar protein sorting 13 homolog B; plus strand). Cytogenetic location: 8q22.2.
Variant type: single nucleotide variant.
Coding change: c.3015G>A on transcript NM_152564.5 (MANE Select); coding-DNA position 3015, G replaced by A.
Protein change: p.Leu1005=; no amino-acid change (leucine 1005 retained).
Molecular consequence: synonymous variant.
Genome position (GRCh38, 1-based): chr8:99,391,637, G>A. VCF-style: chr8-99391637-G-A. GRCh37 (hg19) VCF-style: chr8-100403865-G-A.
Other names: c.3015G>A, p.Leu1005= (NM_017890.5).
Identifiers: ClinVar variation 2151703 (VCV002151703.5), dbSNP rs1339514934, ClinGen allele CA462428473.

ClinVar aggregate classification (germline): Likely benign. Review status: criteria provided, multiple submitters, no conflicts (2 of 4 stars). 2 submissions from 2 submitters: Likely benign (2). Last evaluated 2025-12-24.

Conditions:
VPS13B-related disorder. Also called: VPS13B-related condition.
Cohen syndrome (COH1). Also called: PEPPER SYNDROME; Cutis verticis gyrata, retinitis pigmentosa, and sensorineural deafness. Identifiers: Orphanet 193, MedGen C0265223, MONDO:0008999, OMIM 216550.

Allele frequency attached by ClinVar (database versions not stated): gnomAD exomes below 0.00001; TOPMed below 0.00001.
gnomAD v4.1: 3 of 1,614,070 alleles (0.00019%); highest among the groups gnomAD compares: Non-Finnish European, 0.00025%; no homozygotes.

Submissions (2):

PreventionGenetics, part of Exact Sciences
Classification: Likely benign for VPS13B-related condition. Last evaluated: 2025-12-24. Review status: criteria provided, single submitter. Criteria: ACMG Guidelines, 2015. Collection method: clinical testing. Allele origin: germline.
Comment: This variant is classified as likely benign based on ACMG/AMP sequence variant interpretation guidelines (Richards et al. 2015 PMID: 25741868, with internal and published modifications).

Labcorp Genetics (formerly Invitae), Labcorp
Classification: Likely benign for Cohen syndrome. Last evaluated: 2022-08-27. Review status: criteria provided, single submitter. Criteria: Invitae Variant Classification Sherloc (09022015). Collection method: clinical testing. Allele origin: germline.